The following is an entry in ClinVar:

NM_000539.3(RHO):c.531-2A>G

Gene: RHO (rhodopsin; plus strand). Cytogenetic location: 3q22.1.
Variant type: single nucleotide variant.
Coding change: c.531-2A>G on transcript NM_000539.3 (MANE Select); the canonical splice acceptor site of the intron before coding-DNA position 531, A replaced by G.
Molecular consequence: splice acceptor variant.
Genome position (GRCh38, 1-based): chr3:129,532,249, A>G. VCF-style: chr3-129532249-A-G. GRCh37 (hg19) VCF-style: chr3-129251092-A-G.
Identifiers: ClinVar variation 2203433 (VCV002203433.4), dbSNP rs2533026610, ClinGen allele CA354499043.

ClinVar aggregate classification (germline): Pathogenic (1 of 4 stars; one submission).

Submission:

Labcorp Genetics (formerly Invitae), Labcorp
Classification: Pathogenic. Last evaluated: 2021-12-19. Review status: criteria provided, single submitter. Criteria: Invitae Variant Classification Sherloc (09022015). Collection method: clinical testing. Allele origin: germline.
Comment: This variant has not been observed in the literature in individuals with autosomal recessive RHO-related conditions. This variant has been reported in individual(s) with autosomal dominant retinitis pigmentosa (PMID: 10874327); however, the role of the variant in this condition is currently unclear. For these reasons, this variant has been classified as Pathogenic. Studies have shown that disruption of this splice site alters mRNA splicing and is expected to lead to the loss of protein expression (PMID: 21357407). This variant is also known as g3811-2A>G (IVS2-2A>G). This variant is not present in population databases (gnomAD no frequency). This sequence change affects an acceptor splice site in intron 2 of the RHO gene. It is expected to disrupt RNA splicing. Variants that disrupt the donor or acceptor splice site typically lead to a loss of protein function (PMID: 16199547), and loss-of-function variants in RHO are known to be pathogenic (PMID: 1303237, 21174529).

Literature cited by the submitters: PubMed 10874327; PubMed 21357407; PubMed 16199547; PubMed 1303237; PubMed 21174529.